The following is an entry in ClinVar:

ClinVar aggregate classification (germline): Uncertain significance. Review status: criteria provided, multiple submitters, no conflicts (2 of 4 stars). 2 submissions from 2 submitters: Uncertain significance (2). Last evaluated 2025-06-18.

Conditions:
Inborn genetic diseases. Identifiers: MedGen C0950123, MeSH D030342.

Submissions (2):

Ambry Genetics
Classification: Uncertain significance for Inborn genetic diseases. Last evaluated: 2025-06-18. Review status: criteria provided, single submitter. Criteria: Ambry Variant Classification Scheme 2023. Collection method: clinical testing. Allele origin: germline.

Labcorp Genetics (formerly Invitae), Labcorp
Classification: Uncertain significance. Last evaluated: 2024-11-04. Review status: criteria provided, single submitter. Criteria: Invitae Variant Classification Sherloc (09022015). Collection method: clinical testing. Allele origin: germline.
Comment: This sequence change replaces glycine, which is neutral and non-polar, with serine, which is neutral and polar, at codon 121 of the VARS2 protein (p.Gly121Ser). This variant is present in population databases (rs774964773, gnomAD 0.01%). This variant has not been reported in the literature in individuals affected with VARS2-related conditions. An algorithm developed to predict the effect of missense changes on protein structure and function (PolyPhen-2) suggests that this variant is likely to be disruptive. In summary, the available evidence is currently insufficient to determine the role of this variant in disease. Therefore, it has been classified as a Variant of Uncertain Significance.

NM_020442.6(VARS2):c.271G>A (p.Gly91Ser)

Gene: VARS2 (valyl-tRNA synthetase 2, mitochondrial; plus strand). Cytogenetic location: 6p21.33.
Variant type: single nucleotide variant.
Coding change: c.271G>A on transcript NM_020442.6 (MANE Select); coding-DNA position 271, G replaced by A.
Protein change: p.Gly91Ser; replaces glycine 91 with serine.
Molecular consequence: missense variant. On other transcripts: 5 prime UTR variant (1).
Genome position (GRCh38, 1-based): chr6:30,915,225, G>A. VCF-style: chr6-30915225-G-A. GRCh37 (hg19) VCF-style: chr6-30883002-G-A.
Other names: c.361G>A (NM_001167734.1); c.-150G>A (NM_001167733.3); c.361G>A, p.Gly121Ser (NM_001167734.2); short protein forms G121S, G91S.
Identifiers: ClinVar variation 3676607 (VCV003676607.3).